The following is an entry in ClinVar:

NM_000282.4(PCCA):c.875T>C (p.Ile292Thr)

Gene: PCCA (propionyl-CoA carboxylase subunit alpha; plus strand). Cytogenetic location: 13q32.3.
Variant type: single nucleotide variant.
Coding change: c.875T>C on transcript NM_000282.4 (MANE Select); coding-DNA position 875, T replaced by C.
Protein change: p.Ile292Thr; replaces isoleucine 292 with threonine.
Molecular consequence: missense variant. On other transcripts: 5 prime UTR variant (3), non-coding transcript variant (5).
Genome position (GRCh38, 1-based): chr13:100,268,744, T>C. VCF-style: chr13-100268744-T-C. GRCh37 (hg19) VCF-style: chr13-100920998-T-C.
Other names: c.797T>C, p.Ile266Thr (NM_001127692.3, NM_001352607.2, NM_001352608.2); c.875T>C, p.Ile292Thr (NM_001178004.2, NM_001352605.2, NM_001352606.2 and 1 more transcripts); c.-71T>C (NM_001352610.2, NM_001352611.2, NM_001352612.2); short protein forms I266T, I292T.
Identifiers: ClinVar variation 5018798 (VCV005018798.2).

ClinVar aggregate classification (germline): Uncertain significance (1 of 4 stars; one submission).

Conditions:
Propionic acidemia (PROP). Also called: HYPERGLYCINEMIA WITH KETOACIDOSIS AND LEUKOPENIA; KETOTIC HYPERGLYCINEMIA; GLYCINEMIA, KETOTIC. Identifiers: Orphanet 35, MedGen C0268579, MONDO:0011628, OMIM 606054, HP:0003571.

gnomAD v4.1: 2 of 1,614,122 alleles (0.00012%); highest among the groups gnomAD compares: Non-Finnish European, 0.00017%; no homozygotes.

Submission:

Juno Genomics, Hangzhou Juno Genomics, Inc
Classification: Uncertain significance for Propionic acidemia. Review status: criteria provided, single submitter. Criteria: ACMG Guidelines, 2015. Collection method: clinical testing. Allele origin: germline.
Comment: Absent from controls (or at extremely low frequency if recessive) in Genome Aggregation Database.;Multiple lines of computational evidence support a deleterious effect on the gene or gene product.